The following is an entry in ClinVar:

NM_003803.4(MYOM1):c.2643A>T (p.Lys881Asn)

Gene: MYOM1 (myomesin 1; minus strand). Cytogenetic location: 18p11.31.
Variant type: single nucleotide variant.
Coding change: c.2643A>T on transcript NM_003803.4 (MANE Select); coding-DNA position 2643, A replaced by T.
Protein change: p.Lys881Asn; replaces lysine 881 with asparagine.
Molecular consequence: missense variant. On other transcripts: intron variant (1).
Genome position (GRCh38, 1-based): chr18:3,129,383, T>A on the plus strand (A>T on the coding strand, the complement: MYOM1 is on the minus strand). VCF-style: chr18-3129383-T-A. GRCh37 (hg19) VCF-style: chr18-3129381-T-A.
Other names: c.2506+1992A>T (NM_019856.2); short protein forms K881N.
Identifiers: ClinVar variation 1002105 (VCV001002105.8), dbSNP rs1295554112, ClinGen allele CA401710072.

ClinVar aggregate classification (germline): Uncertain significance (1 of 4 stars; one submission).

Conditions:
Hypertrophic cardiomyopathy. Also called: HYPERTROPHIC MYOCARDIOPATHY. Identifiers: Orphanet 217569, MedGen C0007194, MeSH D002312, MONDO:0005045, HP:0001639.

Allele frequency attached by ClinVar (database versions not stated): gnomAD 0.00001; TOPMed 0.00001.
gnomAD v4.1: 2 of 1,613,768 alleles (0.00012%); highest among the groups gnomAD compares: African/African-American, 0.0027%; no homozygotes.

Submission:

Labcorp Genetics (formerly Invitae), Labcorp
Classification: Uncertain significance for Hypertrophic cardiomyopathy. Last evaluated: 2022-12-06. Review status: criteria provided, single submitter. Criteria: Invitae Variant Classification Sherloc (09022015). Collection method: clinical testing. Allele origin: germline.
Comment: In summary, the available evidence is currently insufficient to determine the role of this variant in disease. Therefore, it has been classified as a Variant of Uncertain Significance. Algorithms developed to predict the effect of missense changes on protein structure and function output the following: SIFT: "Tolerated"; PolyPhen-2: "Benign"; Align-GVGD: "Class C0". The asparagine amino acid residue is found in multiple mammalian species, which suggests that this missense change does not adversely affect protein function. ClinVar contains an entry for this variant (Variation ID: 1002105). This variant has not been reported in the literature in individuals affected with MYOM1-related conditions. This variant is not present in population databases (gnomAD no frequency). This sequence change replaces lysine, which is basic and polar, with asparagine, which is neutral and polar, at codon 881 of the MYOM1 protein (p.Lys881Asn).